The following is an entry in ClinVar:

NM_006269.2(RP1):c.4802A>G (p.Glu1601Gly)

Gene: RP1 (RP1 axonemal microtubule associated; plus strand). Cytogenetic location: 8q12.1.
Variant type: single nucleotide variant.
Coding change: c.4802A>G on transcript NM_006269.2 (MANE Select); coding-DNA position 4802, A replaced by G.
Protein change: p.Glu1601Gly; replaces glutamic acid 1601 with glycine.
Molecular consequence: missense variant. On other transcripts: intron variant (1).
Genome position (GRCh38, 1-based): chr8:54,628,684, A>G. VCF-style: chr8-54628684-A-G. GRCh37 (hg19) VCF-style: chr8-55541244-A-G.
Other names: c.787+6396A>G (NM_001375654.1); short protein forms E1601G.
Identifiers: ClinVar variation 2125167 (VCV002125167.4), dbSNP rs2536586174, ClinGen allele CA370983219.
Genomic context (GRCh38, chr8:54,628,684, plus strand): 5'-AATGCATCAAAAGTCCAGTGACTTCTGATTGGTCAGACTATCGGCCTGACAGTGACAGTG[A>G]GCAGCCATATAAAACATCCAGTGATGATCCCAATGACAGTGGCGAACTTACCCAAGAGAA-3'
Protein context (NP_006260.1, residues 1591-1611): WSDYRPDSDS[Glu1601Gly]QPYKTSSDDP

ClinVar aggregate classification (germline): Uncertain significance (1 of 4 stars; one submission).

Submission:

Labcorp Genetics (formerly Invitae), Labcorp
Classification: Uncertain significance. Last evaluated: 2022-11-01. Review status: criteria provided, single submitter. Criteria: Invitae Variant Classification Sherloc (09022015). Collection method: clinical testing. Allele origin: germline.
Comment: In summary, the available evidence is currently insufficient to determine the role of this variant in disease. Therefore, it has been classified as a Variant of Uncertain Significance. Algorithms developed to predict the effect of missense changes on protein structure and function output the following: SIFT: "Tolerated"; PolyPhen-2: "Benign"; Align-GVGD: "Class C0". The glycine amino acid residue is found in multiple mammalian species, which suggests that this missense change does not adversely affect protein function. This variant has not been reported in the literature in individuals affected with RP1-related conditions. This variant is not present in population databases (gnomAD no frequency). This sequence change replaces glutamic acid, which is acidic and polar, with glycine, which is neutral and non-polar, at codon 1601 of the RP1 protein (p.Glu1601Gly).